The following is an entry in ClinVar:

NM_030632.3(ASXL3):c.2583A>T (p.Ile861=)

Gene: ASXL3 (ASXL transcriptional regulator 3; plus strand). Cytogenetic location: 18q12.1.
Variant type: single nucleotide variant.
Coding change: c.2583A>T on transcript NM_030632.3 (MANE Select); coding-DNA position 2583, A replaced by T.
Protein change: p.Ile861=; no amino-acid change (isoleucine 861 retained).
Molecular consequence: synonymous variant.
Genome position (GRCh38, 1-based): chr18:33,739,987, A>T. VCF-style: chr18-33739987-A-T. GRCh37 (hg19) VCF-style: chr18-31319951-A-T.
Other names: c.2583A>T (NM_030632.2).
Identifiers: ClinVar variation 1235673 (VCV001235673.13), dbSNP rs61734123, ClinGen allele CA8933942.

ClinVar aggregate classification (germline): Benign/Likely benign. Review status: criteria provided, multiple submitters, no conflicts (2 of 4 stars). 5 submissions from 5 submitters: Benign (2); Likely benign (2). 1 of the submissions does not count toward it. Last evaluated 2026-03-01.

Conditions:
ASXL3-related disorder. Also called: ASXL3-related condition. Identifiers: MedGen CN381524.

Allele frequency attached by ClinVar (database versions not stated): ExAC 0.00060; gnomAD 0.00166; TOPMed 0.00185; ESP Exome Variant Server 0.00201; 1000 Genomes Project 30x 0.00234; 1000 Genomes Project 0.00240.
gnomAD v4.1: 486 of 1,613,954 alleles (0.03%); highest among the groups gnomAD compares: African/African-American, 0.58%; 4 homozygotes.

Submissions (5):

CeGaT Center for Human Genetics Tuebingen
Classification: Likely benign. Last evaluated: 2026-03-01. Review status: criteria provided, single submitter. Criteria: CeGaT Center For Human Genetics Tuebingen Variant Classification Criteria Version 2. Collection method: clinical testing. Allele origin: germline. Affected: yes. Observed: 2 variant alleles.
Comment: ASXL3: BP4, BP7, BS1

Blueprint Genetics
Classification: Likely benign. Last evaluated: 2024-10-23. Review status: criteria provided, single submitter. Criteria: ACMG Guidelines, 2015. Collection method: clinical testing. Allele origin: germline.

GeneDx
Classification: Benign. Last evaluated: 2020-04-13. Review status: criteria provided, single submitter. Criteria: GeneDx Variant Classification Process June 2021. Collection method: clinical testing. Allele origin: germline. Affected: yes.

Breakthrough Genomics
Classification: Benign. Review status: criteria provided, single submitter. Criteria: ACMG Guidelines, 2015. Collection method: not provided. Allele origin: germline. Inheritance: Autosomal dominant inheritance. Affected: yes.

PreventionGenetics, part of Exact Sciences
Classification: Benign for ASXL3-related condition. Last evaluated: 2019-06-11. Review status: no assertion criteria provided. Collection method: clinical testing. Allele origin: germline. Not counted in ClinVar's aggregate classification.
Comment: This variant is classified as benign based on ACMG/AMP sequence variant interpretation guidelines (Richards et al. 2015 PMID: 25741868, with internal and published modifications).